The following is an entry in ClinVar:

NM_001385079.1(PDE10A):c.1034C>T (p.Thr345Met)

Gene: PDE10A (phosphodiesterase 10A; minus strand). Cytogenetic location: 6q27.
Variant type: single nucleotide variant.
Coding change: c.1034C>T on transcript NM_001385079.1 (MANE Select); coding-DNA position 1034, C replaced by T.
Protein change: p.Thr345Met; replaces threonine 345 with methionine.
Molecular consequence: missense variant.
Genome position (GRCh38, 1-based): chr6:165,450,352, G>A on the plus strand (C>T on the coding strand, the complement: PDE10A is on the minus strand). VCF-style: chr6-165450352-G-A. GRCh37 (hg19) VCF-style: chr6-165863840-G-A.
Other names: c.236C>T, p.Thr79Met (NM_001130690.3); c.206C>T, p.Thr69Met (NM_006661.4); short protein forms T79M, T69M, T345M.
Identifiers: ClinVar variation 2914781 (VCV002914781.4), dbSNP rs373852059, ClinGen allele CA4092534.

ClinVar aggregate classification (germline): Uncertain significance. Review status: criteria provided, multiple submitters, no conflicts (2 of 4 stars). 2 submissions from 2 submitters: Uncertain significance (2). Last evaluated 2025-11-24.

Allele frequency attached by ClinVar (database versions not stated): gnomAD 0.00003; TOPMed 0.00004; ESP Exome Variant Server 0.00008.
gnomAD v4.1: 21 of 1,528,292 alleles (0.0014%); highest among the groups gnomAD compares: Admixed American, 0.0037%; no homozygotes.

Submissions (2):

Women's Health and Genetics/Laboratory Corporation of America, LabCorp
Classification: Uncertain significance. Last evaluated: 2025-11-24. Review status: criteria provided, single submitter. Criteria: LabCorp Variant Classification Summary - May 2015. Collection method: clinical testing. Allele origin: germline.
Comment: Variant summary: PDE10A c.236C>T (p.Thr79Met) results in a non-conservative amino acid change in the encoded protein sequence. Algorithms developed to predict the effect of missense changes on protein structure and function are either unavailable or do not agree on the potential impact of this missense change. The variant allele was found at a frequency of 2.6e-05 in 228710 control chromosomes. The available data on variant occurrences in the general population are insufficient to allow any conclusion about variant significance. To our knowledge, no occurrence of c.236C>T in individuals affected with PDE10A-related conditions and no experimental evidence demonstrating its impact on protein function have been reported. ClinVar contains an entry for this variant (Variation ID: 2914781). Based on the evidence outlined above, the variant was classified as uncertain significance.

Labcorp Genetics (formerly Invitae), Labcorp
Classification: Uncertain significance. Last evaluated: 2025-01-06. Review status: criteria provided, single submitter. Criteria: Invitae Variant Classification Sherloc (09022015). Collection method: clinical testing. Allele origin: germline.
Comment: This sequence change replaces threonine, which is neutral and polar, with methionine, which is neutral and non-polar, at codon 79 of the PDE10A protein (p.Thr79Met). The frequency data for this variant in the population databases is considered unreliable, as metrics indicate poor data quality at this position in the gnomAD database. This variant has not been reported in the literature in individuals affected with PDE10A-related conditions. ClinVar contains an entry for this variant (Variation ID: 2914781). An algorithm developed to predict the effect of missense changes on protein structure and function (PolyPhen-2) suggests that this variant is likely to be disruptive. In summary, the available evidence is currently insufficient to determine the role of this variant in disease. Therefore, it has been classified as a Variant of Uncertain Significance.